The following is an entry in ClinVar:

ClinVar aggregate classification (germline): Conflicting classifications of pathogenicity. Review status: criteria provided, conflicting classifications (1 of 4 stars). 2 submissions from 2 submitters: Uncertain significance (1); Likely benign (1). Last evaluated 2025-02-23.

Allele frequency attached by ClinVar (database versions not stated): TOPMed below 0.00001; gnomAD 0.00001; gnomAD exomes 0.00001; ExAC 0.00002; 1000 Genomes Project 0.00020; 1000 Genomes Project 30x 0.00031.
gnomAD v4.1: 15 of 1,614,158 alleles (0.00093%); highest among the groups gnomAD compares: Middle Eastern, 0.016%; no homozygotes.

Submissions (2):

Labcorp Genetics (formerly Invitae), Labcorp
Classification: Uncertain significance. Last evaluated: 2025-02-23. Review status: criteria provided, single submitter. Criteria: Invitae Variant Classification Sherloc (09022015). Collection method: clinical testing. Allele origin: germline.
Comment: This sequence change replaces asparagine, which is neutral and polar, with histidine, which is basic and polar, at codon 1408 of the KMT2E protein (p.Asn1408His). This variant is present in population databases (rs575388598, gnomAD 0.007%). This variant has not been reported in the literature in individuals affected with KMT2E-related conditions. ClinVar contains an entry for this variant (Variation ID: 2657912). Invitae Evidence Modeling of protein sequence and biophysical properties (such as structural, functional, and spatial information, amino acid conservation, physicochemical variation, residue mobility, and thermodynamic stability) indicates that this missense variant is not expected to disrupt KMT2E protein function with a negative predictive value of 80%. In summary, the available evidence is currently insufficient to determine the role of this variant in disease. Therefore, it has been classified as a Variant of Uncertain Significance.

CeGaT Center for Human Genetics Tuebingen
Classification: Likely benign. Last evaluated: 2023-01-01. Review status: criteria provided, single submitter. Criteria: CeGaT Center For Human Genetics Tuebingen Variant Classification Criteria Version 2. Collection method: clinical testing. Allele origin: germline. Affected: yes. Observed: 1 variant allele.
Comment: KMT2E: BP4, BS2

NM_182931.3(KMT2E):c.4222A>C (p.Asn1408His)

Gene: KMT2E (lysine methyltransferase 2E (inactive); plus strand). Cytogenetic location: 7q22.3.
Variant type: single nucleotide variant.
Coding change: c.4222A>C on transcript NM_182931.3 (MANE Select); coding-DNA position 4222, A replaced by C.
Protein change: p.Asn1408His; replaces asparagine 1408 with histidine.
Molecular consequence: missense variant.
Genome position (GRCh38, 1-based): chr7:105,111,978, A>C. VCF-style: chr7-105111978-A-C. GRCh37 (hg19) VCF-style: chr7-104752425-A-C.
Other names: c.4096A>C, p.Asn1366His (NM_001410908.1); c.4222A>C, p.Asn1408His (NM_018682.4); short protein forms N1366H, N1408H.
Identifiers: ClinVar variation 2657912 (VCV002657912.27), dbSNP rs575388598, ClinGen allele CA4424706.